The following is an entry in ClinVar:

NM_001378454.1(ALMS1):c.12036C>A (p.Asp4012Glu)

Genes: ALMS1 (ALMS1 centrosome and basal body associated protein; plus strand), LOC126806252 (BRD4-independent group 4 enhancer GRCh37_chr2:73828496-73829695; plus strand). Cytogenetic location: 2p13.1.
Variant type: single nucleotide variant.
Coding change: c.12036C>A on transcript NM_001378454.1 (MANE Select); coding-DNA position 12036, C replaced by A.
Protein change: p.Asp4012Glu; replaces aspartic acid 4012 with glutamic acid.
Molecular consequence: missense variant.
Genome position (GRCh38, 1-based): chr2:73,601,358, C>A. VCF-style: chr2-73601358-C-A. GRCh37 (hg19) VCF-style: chr2-73828485-C-A.
Other names: c.12039C>A, p.Asp4013Glu (NM_015120.4); short protein forms D4013E, D4012E.
Identifiers: ClinVar variation 553675 (VCV000553675.12), dbSNP rs370981817, ClinGen allele CA1715406.

ClinVar aggregate classification (germline): Uncertain significance. Review status: criteria provided, multiple submitters, no conflicts (2 of 4 stars). 5 submissions from 5 submitters: Uncertain significance (4). 1 of the submissions does not count toward it. Last evaluated 2024-08-12.

Conditions:
Cardiovascular phenotype. Identifiers: MedGen CN230736.
Alstrom syndrome (ALMS). Identifiers: Orphanet 64, MedGen C0268425, MONDO:0008763, OMIM 203800.

Allele frequency attached by ClinVar (database versions not stated): TOPMed 0.00001.
gnomAD v4.1: 22 of 1,614,016 alleles (0.0014%); highest among the groups gnomAD compares: East Asian, 0.047%; no homozygotes.

Submissions (5):

Labcorp Genetics (formerly Invitae), Labcorp
Classification: Uncertain significance for Alstrom syndrome. Last evaluated: 2024-08-12. Review status: criteria provided, single submitter. Criteria: Invitae Variant Classification Sherloc (09022015). Collection method: clinical testing. Allele origin: germline.
Comment: This sequence change replaces aspartic acid, which is acidic and polar, with glutamic acid, which is acidic and polar, at codon 4013 of the ALMS1 protein (p.Asp4013Glu). This variant is present in population databases (rs370981817, gnomAD 0.05%). This variant has not been reported in the literature in individuals affected with ALMS1-related conditions. ClinVar contains an entry for this variant (Variation ID: 553675). Experimental studies and prediction algorithms are not available or were not evaluated, and the functional significance of this variant is currently unknown. In summary, the available evidence is currently insufficient to determine the role of this variant in disease. Therefore, it has been classified as a Variant of Uncertain Significance.

GeneDx
Classification: Uncertain significance. Last evaluated: 2023-07-10. Review status: criteria provided, single submitter. Criteria: GeneDx Variant Classification Process June 2021. Collection method: clinical testing. Allele origin: germline. Affected: yes.
Comment: In silico analysis supports that this missense variant has a deleterious effect on protein structure/function; Has not been previously published as pathogenic or benign to our knowledge

Ambry Genetics
Classification: Uncertain significance for Cardiovascular phenotype. Last evaluated: 2022-08-19. Review status: criteria provided, single submitter. Criteria: Ambry Variant Classification Scheme 2023. Collection method: clinical testing. Allele origin: germline.

Eurofins Ntd Llc (ga)
Classification: Uncertain significance. Last evaluated: 2017-08-17. Review status: criteria provided, single submitter. Criteria: EGL Classification Definitions 2015. Collection method: clinical testing. Allele origin: germline. Observed: 1 variant allele, 1 heterozygote.

Counsyl
Classification: Uncertain significance for Alstrom syndrome. Last evaluated: 2017-09-12. Review status: no assertion criteria provided. Collection method: clinical testing. Allele origin: unknown. Not counted in ClinVar's aggregate classification.